The following is an entry in ClinVar:

ClinVar aggregate classification (germline): Uncertain significance (1 of 4 stars; one submission).

Conditions:
Joubert syndrome. Also called: CEREBELLOPARENCHYMAL DISORDER IV; JOUBERT-BOLTSHAUSER SYNDROME; Familial aplasia of the vermis. Identifiers: Orphanet 475, MedGen C5979921, MONDO:0018772.
Nephronophthisis. Also called: Juvenile Nephronophthisis. Identifiers: Orphanet 655, MedGen C0687120, MONDO:0019005, HP:0000090.
Meckel-Gruber syndrome. Also called: DYSENCEPHALIA SPLANCHNOCYSTICA; GRUBER SYNDROME; Dysencephalia splachnocystica. Identifiers: Orphanet 564, MedGen C0265215, MONDO:0018921.

Allele frequency attached by ClinVar (database versions not stated): gnomAD exomes below 0.00001; gnomAD 0.00001.
gnomAD v4.1: 5 of 1,613,440 alleles (0.00031%); highest among the groups gnomAD compares: South Asian, 0.0044%; no homozygotes.

Submission:

Labcorp Genetics (formerly Invitae), Labcorp
Classification: Uncertain significance for Joubert syndrome; Meckel-Gruber syndrome; Nephronophthisis. Last evaluated: 2021-06-27. Review status: criteria provided, single submitter. Criteria: Invitae Variant Classification Sherloc (09022015). Collection method: clinical testing. Allele origin: germline.
Comment: In summary, the available evidence is currently insufficient to determine the role of this variant in disease. Therefore, it has been classified as a Variant of Uncertain Significance. Algorithms developed to predict the effect of missense changes on protein structure and function are either unavailable or do not agree on the potential impact of this missense change (SIFT: "Tolerated"; PolyPhen-2: "Probably Damaging"; Align-GVGD: "Class C0"). This variant has not been reported in the literature in individuals with CEP290-related conditions. This variant is not present in population databases (ExAC no frequency). This sequence change replaces alanine with valine at codon 1543 of the CEP290 protein (p.Ala1543Val). The alanine residue is highly conserved and there is a small physicochemical difference between alanine and valine.

NM_025114.4(CEP290):c.4628C>T (p.Ala1543Val)

Gene: CEP290 (centrosomal protein 290; minus strand). Cytogenetic location: 12q21.32.
Variant type: single nucleotide variant.
Coding change: c.4628C>T on transcript NM_025114.4 (MANE Select); coding-DNA position 4628, C replaced by T.
Protein change: p.Ala1543Val; replaces alanine 1543 with valine.
Molecular consequence: missense variant.
Genome position (GRCh38, 1-based): chr12:88,084,662, G>A on the plus strand (C>T on the coding strand, the complement: CEP290 is on the minus strand). VCF-style: chr12-88084662-G-A. GRCh37 (hg19) VCF-style: chr12-88478439-G-A.
Other names: short protein forms A1543V.
Identifiers: ClinVar variation 1364217 (VCV001364217.6), dbSNP rs2036441054, ClinGen allele CA385994903.
Genomic context (GRCh38, chr12:88,084,662, plus strand): 5'-AGAAGACGTTGATACTTCTTTAATACTTCTTCTTTTTGATTTAACCTTGCTTGCATGTTT[G>A]CAATGGTTTGATGAGCAATTTTCAATGTGTGGTGAGATTTTGGTTCCATCTCTTTTCTGC-3'
Protein context (NP_079390.3, residues 1533-1553): HTLKIAHQTI[Ala1543Val]NMQARLNQKE